The following is an entry in ClinVar:

ClinVar aggregate classification (germline): Likely pathogenic (1 of 4 stars; one submission).

Conditions:
Autosomal recessive limb-girdle muscular dystrophy type 2A (LGMDR1). Also called: LEYDEN-MOEBIUS MUSCULAR DYSTROPHY; MUSCULAR DYSTROPHY, PELVOFEMORAL; Limb-girdle muscular dystrophy, type 2A; Calpainopathy; Muscular dystrophy, limb-girdle, type 2A, Amish. Identifiers: Orphanet 267, MedGen C1869123, MONDO:0009675, OMIM 253600. Disease mechanism: loss of function.

Submission:

Myriad Genetics, Inc.
Classification: Likely pathogenic for Autosomal recessive limb-girdle muscular dystrophy type 2A. Last evaluated: 2021-12-08. Review status: criteria provided, single submitter. Criteria: Myriad Women's Health Autosomal Recessive and X-Linked Classification Criteria (2021). Collection method: clinical testing. Allele origin: unknown.
Comment: NM_000070.2(CAPN3):c.760A>T(K254*) is expected to be pathogenic in the context of calpainopathy. This variant is predicted to lead to an abnormal or absent protein product due to the creation of a premature termination codon in CAPN3, a gene where loss-of-function variants are known to be pathogenic. Please note: this variant was assessed in the context of healthy population screening.

NM_000070.3(CAPN3):c.760A>T (p.Lys254Ter)

Gene: CAPN3 (calpain 3; plus strand). Cytogenetic location: 15q15.1.
Variant type: single nucleotide variant.
Coding change: c.760A>T on transcript NM_000070.3 (MANE Select); coding-DNA position 760, A replaced by T.
Protein change: p.Lys254Ter; replaces lysine 254 with a stop codon.
Molecular consequence: nonsense.
Genome position (GRCh38, 1-based): chr15:42,389,055, A>T. VCF-style: chr15-42389055-A-T. GRCh37 (hg19) VCF-style: chr15-42681253-A-T.
Other names: c.760A>T, p.Lys254Ter (NM_024344.2, NM_173087.2); c.499A>T, p.Lys167Ter (NM_212464.2); c.*453A>T (NM_212467.2); short protein forms K167*, K254*.
Identifiers: ClinVar variation 1726093 (VCV001726093.2), dbSNP rs2548260565, ClinGen allele CA391998327.